The following is an entry in ClinVar:

ClinVar aggregate classification (germline): Benign (1 of 4 stars; one submission).

Allele frequency attached by ClinVar (database versions not stated): TOPMed 0.75532; gnomAD 0.77137; 1000 Genomes Project 30x 0.77467; 1000 Genomes Project 0.78255.

Submission:

GeneDx
Classification: Benign. Last evaluated: 2018-06-14. Review status: criteria provided, single submitter. Criteria: GeneDx Variant Classification (06012015). Collection method: clinical testing. Allele origin: germline. Affected: yes.
Comment: This variant is considered likely benign or benign based on one or more of the following criteria: it is a conservative change, it occurs at a poorly conserved position in the protein, it is predicted to be benign by multiple in silico algorithms, and/or has population frequency not consistent with disease.

NM_182916.3(TRNT1):c.343-215_343-214insA

Gene: TRNT1 (tRNA nucleotidyl transferase 1; plus strand). Cytogenetic location: 3p26.2.
Variant type: Insertion.
Coding change: c.343-215_343-214insA on transcript NM_182916.3 (MANE Select); 215 bases into the intron before coding-DNA position 343 through 214 bases into the intron before coding-DNA position 343, A inserted.
Molecular consequence: intron variant.
Genome position: GRCh38 VCF-style: chr3-3140295-T-TA. GRCh37 (hg19) VCF-style: chr3-3181979-T-TA.
Other names: c.343-215_343-214insA (NM_001367321.1, NM_001367323.1, NM_001367322.1 and 1 more transcripts).
Identifiers: ClinVar variation 684283 (VCV000684283.1), dbSNP rs76467947, ClinGen allele CA68727740.